The following is an entry in ClinVar:

ClinVar aggregate classification (germline): Uncertain significance (1 of 4 stars; one submission).

gnomAD v4.1: 3 of 1,603,894 alleles (0.00019%); highest among the groups gnomAD compares: Non-Finnish European, 0.00025%; no homozygotes.

Submission:

Women's Health and Genetics/Laboratory Corporation of America, LabCorp
Classification: Uncertain significance. Last evaluated: 2025-12-29. Review status: criteria provided, single submitter. Criteria: LabCorp Variant Classification Summary - May 2015. Collection method: clinical testing. Allele origin: germline.
Comment: Variant summary: BRD4 c.1453T>C (p.Ser485Pro) results in a non-conservative amino acid change in the encoded protein sequence. Algorithms developed to predict the effect of missense changes on protein structure and function are either unavailable or do not agree on the potential impact of this missense change. The variant was absent in 232654 control chromosomes. The available data on variant occurrences in the general population are insufficient to allow any conclusion about variant significance. To our knowledge, no occurrence of c.1453T>C in individuals affected with BRD4-related conditions and no experimental evidence demonstrating its impact on protein function have been reported. No submitters have cited clinical-significance assessments for this variant to ClinVar. Based on the evidence outlined above, the variant was classified as uncertain significance.

NM_001379291.1(BRD4):c.1453T>C (p.Ser485Pro)

Gene: BRD4 (bromodomain containing 4; minus strand). Cytogenetic location: 19p13.12.
Variant type: single nucleotide variant.
Coding change: c.1453T>C on transcript NM_001379291.1 (MANE Select); coding-DNA position 1453, T replaced by C.
Protein change: p.Ser485Pro; replaces serine 485 with proline.
Molecular consequence: missense variant.
Genome position (GRCh38, 1-based): chr19:15,257,062, A>G on the plus strand (T>C on the coding strand, the complement: BRD4 is on the minus strand). VCF-style: chr19-15257062-A-G. GRCh37 (hg19) VCF-style: chr19-15367873-A-G.
Other names: c.1453T>C, p.Ser485Pro (NM_001330384.2, NM_001379292.1, NM_014299.3 and 1 more transcripts); short protein forms S485P.
Identifiers: ClinVar variation 4688755 (VCV004688755.1).
Genomic context (GRCh38, chr19:15,257,062, plus strand): 5'-CCTCAGAGTCATCAGTCGAACTGTCACTGTCCGAGGAGCTATCGCTGCTGCTGTCGCTGG[A>G]TGAGGGCGGGGCCACAACCTTGGTGGGAGGGGGCACTGCCGGGGAGGACACGGCCACCAC-3'
Protein context (NP_001366220.1, residues 475-495): PPTKVVAPPS[Ser485Pro]SDSSSDSSSD